The following is an entry in ClinVar:

NM_000191.3(HMGCL):c.252+1G>A

Gene: HMGCL (3-hydroxy-3-methylglutaryl-CoA lyase; minus strand). Cytogenetic location: 1p36.11.
Variant type: single nucleotide variant.
Coding change: c.252+1G>A on transcript NM_000191.3 (MANE Select); the canonical splice donor site of the intron after coding-DNA position 252, G replaced by A.
Molecular consequence: splice donor variant.
Genome position (GRCh38, 1-based): chr1:23,817,475, C>T on the plus strand (G>A on the coding strand, the complement: HMGCL is on the minus strand). VCF-style: chr1-23817475-C-T. GRCh37 (hg19) VCF-style: chr1-24143965-C-T.
Other names: c.252+1G>A (NM_001166059.2).
Identifiers: ClinVar variation 1472739 (VCV001472739.10), dbSNP rs775218067, ClinGen allele CA686157.

ClinVar aggregate classification (germline): Likely pathogenic (1 of 4 stars; one submission).

Conditions:
Deficiency of hydroxymethylglutaryl-CoA lyase (HMGCLD). Also called: HMGCL DEFICIENCY; HYDROXYMETHYLGLUTARIC ACIDURIA; HMG-CoA LYASE DEFICIENCY; Defect in leucine metabolism; 3-hydroxy-3-methylglutaric aciduria. Identifiers: Orphanet 20, MedGen C1533587, MONDO:0009520, OMIM 246450.

Allele frequency attached by ClinVar (database versions not stated): gnomAD exomes below 0.00001; ExAC 0.00001.

Submission:

Labcorp Genetics (formerly Invitae), Labcorp
Classification: Likely pathogenic for Deficiency of hydroxymethylglutaryl-CoA lyase. Last evaluated: 2023-04-26. Review status: criteria provided, single submitter. Criteria: Invitae Variant Classification Sherloc (09022015). Collection method: clinical testing. Allele origin: germline.
Comment: Studies have shown that disruption of this splice site results in skipping of exon 3, but is expected to preserve the integrity of the reading-frame (PMID: 19036343). Experimental studies have shown that disruption of this splice site affects HMGCL function (PMID: 11129331). Algorithms developed to predict the effect of variants on protein structure and function are not available or were not evaluated for this variant. ClinVar contains an entry for this variant (Variation ID: 1472739). This variant is also known as IVS3 + 1G>A. Disruption of this splice site has been observed in individual(s) with 3-hydroxy-3-methylglutaryl-CoA lyase deficiency (PMID: 11129331, 19036343). This variant is present in population databases (rs775218067, gnomAD 0.006%). This sequence change affects a donor splice site in intron 3 of the HMGCL gene. RNA analysis indicates that disruption of this splice site induces altered splicing and likely results in a shortened protein product. In summary, the currently available evidence indicates that the variant is pathogenic, but additional data are needed to prove that conclusively. Therefore, this variant has been classified as Likely Pathogenic.

Literature cited by the submitters: PubMed 19036343; PubMed 11129331.